The following is an entry in ClinVar:

ClinVar aggregate classification (germline): Pathogenic. Review status: criteria provided, single submitter (1 of 4 stars). 2 submissions from 2 submitters: Pathogenic (1). 1 of the submissions does not count toward it. Last evaluated 2023-04-27.

Conditions:
Ehlers-Danlos syndrome, type 4 (EDSVASC). Also called: Ehlers-Danlos syndrome vascular type; Ehlers Danlos syndrome, ecchymotic type; Ehlers Danlos syndrome, arterial type; Ehlers Danlos syndrome, Sack-Barabas type; Ehlers-Danlos Syndrome Type IV. Identifiers: Orphanet 286, MedGen C0268338, MONDO:0017314, OMIM 130050.

Submissions (2):

Labcorp Genetics (formerly Invitae), Labcorp
Classification: Pathogenic for Ehlers-Danlos syndrome, type 4. Last evaluated: 2023-04-27. Review status: criteria provided, single submitter. Criteria: Invitae Variant Classification Sherloc (09022015). Collection method: clinical testing. Allele origin: germline.
Comment: This sequence change replaces glycine, which is neutral and non-polar, with glutamic acid, which is acidic and polar, at codon 1182 of the COL3A1 protein (p.Gly1182Glu). For these reasons, this variant has been classified as Pathogenic. This variant disrupts the triple helix domain of COL3A1. Glycine residues within the Gly-Xaa-Yaa repeats of the triple helix domain are required for the structure and stability of fibrillar collagens (PMID: 7695699, 8218237, 19344236). In COL3A1, variants that affect these glycine residues are significantly enriched in individuals with disease (PMID: 24922459, 25758994) compared to the general population (ExAC). Advanced modeling of protein sequence and biophysical properties (such as structural, functional, and spatial information, amino acid conservation, physicochemical variation, residue mobility, and thermodynamic stability) performed at Invitae indicates that this missense variant is expected to disrupt COL3A1 protein function. ClinVar contains an entry for this variant (Variation ID: 101381). This variant is also known as G1015E. This missense change has been observed in individuals with clinical features of vascular Ehlers-Danlos syndrome (PMID: 10706896, 24399159, 24922459; Invitae). This variant is not present in population databases (gnomAD no frequency).

Collagen Diagnostic Laboratory, University of Washington
Classification: Pathogenic for Ehlers-Danlos syndrome, type 4. Review status: no assertion criteria provided. Collection method: clinical testing. Allele origin: germline. Affected: yes. Not counted in ClinVar's aggregate classification.

Literature cited by the submitters: PubMed 7695699 (cited by Labcorp Genetics (formerly Invitae), Labcorp); PubMed 8218237 (cited by Labcorp Genetics (formerly Invitae), Labcorp); PubMed 19344236 (cited by Labcorp Genetics (formerly Invitae), Labcorp); PubMed 24922459 (cited by Labcorp Genetics (formerly Invitae), Labcorp); PubMed 25758994 (cited by Labcorp Genetics (formerly Invitae), Labcorp); PubMed 10706896 (cited by Labcorp Genetics (formerly Invitae), Labcorp and Collagen Diagnostic Laboratory, University of Washington); PubMed 24399159 (cited by Labcorp Genetics (formerly Invitae), Labcorp).

NM_000090.4(COL3A1):c.3545G>A (p.Gly1182Glu)

Gene: COL3A1 (collagen type III alpha 1 chain; plus strand). Cytogenetic location: 2q32.2.
Variant type: single nucleotide variant.
Coding change: c.3545G>A on transcript NM_000090.4 (MANE Select); coding-DNA position 3545, G replaced by A.
Protein change: p.Gly1182Glu; replaces glycine 1182 with glutamic acid.
Molecular consequence: missense variant.
Genome position (GRCh38, 1-based): chr2:189,008,943, G>A. VCF-style: chr2-189008943-G-A. GRCh37 (hg19) VCF-style: chr2-189873669-G-A.
Identifiers: ClinVar variation 101381 (VCV000101381.5), dbSNP rs111505097, ClinGen allele CA006633.